The following is an entry in ClinVar:

ClinVar aggregate classification (germline): Conflicting classifications of pathogenicity. Review status: criteria provided, conflicting classifications (1 of 4 stars). 4 submissions from 4 submitters: Uncertain significance (1); Likely benign (3). Last evaluated 2024-01-01.

Conditions:
Inborn genetic diseases. Identifiers: MedGen C0950123, MeSH D030342.

Allele frequency attached by ClinVar (database versions not stated): ExAC 0.00008; ESP Exome Variant Server 0.00008; gnomAD exomes 0.00011 and 0.00012; TOPMed 0.00011; gnomAD 0.00012 and 0.00013.

Submissions (4):

CeGaT Center for Human Genetics Tuebingen
Classification: Likely benign. Last evaluated: 2024-01-01. Review status: criteria provided, single submitter. Criteria: CeGaT Center For Human Genetics Tuebingen Variant Classification Criteria Version 2. Collection method: clinical testing. Allele origin: germline. Affected: yes. Observed: 2 variant alleles.
Comment: TGM6: BP4

Labcorp Genetics (formerly Invitae), Labcorp
Classification: Likely benign. Last evaluated: 2023-05-08. Review status: criteria provided, single submitter. Criteria: Invitae Variant Classification Sherloc (09022015). Collection method: clinical testing. Allele origin: germline.

Ambry Genetics
Classification: Uncertain significance for Inborn genetic diseases. Last evaluated: 2022-11-09. Review status: criteria provided, single submitter. Criteria: Ambry Variant Classification Scheme 2023. Collection method: clinical testing. Allele origin: germline.

Athena Diagnostics
Classification: Likely benign. Last evaluated: 2018-09-30. Review status: criteria provided, single submitter. Criteria: Athena Diagnostics Criteria. Collection method: clinical testing. Allele origin: germline.

NM_198994.3(TGM6):c.2078A>G (p.Asp693Gly)

Gene: TGM6 (transglutaminase 6; plus strand). Cytogenetic location: 20p13.
Variant type: single nucleotide variant.
Coding change: c.2078A>G on transcript NM_198994.3 (MANE Select); coding-DNA position 2078, A replaced by G.
Protein change: p.Asp693Gly; replaces aspartic acid 693 with glycine.
Molecular consequence: missense variant. On other transcripts: 3 prime UTR variant (1).
Genome position (GRCh38, 1-based): chr20:2,432,600, A>G. VCF-style: chr20-2432600-A-G. GRCh37 (hg19) VCF-style: chr20-2413246-A-G.
Other names: c.*66A>G (NM_001254734.2); short protein forms D693G.
Identifiers: ClinVar variation 805662 (VCV000805662.52), dbSNP rs377479985, ClinGen allele CA9732289.